The following is an entry in ClinVar:

NM_001374736.1(DST):c.14245A>G (p.Lys4749Glu)

Genes: DST (dystonin; minus strand), LOC129389544 (MPRA-validated peak5860 silencer; plus strand). Cytogenetic location: 6p12.1.
Variant type: single nucleotide variant.
Coding change: c.14245A>G on transcript NM_001374736.1 (MANE Select); coding-DNA position 14245, A replaced by G.
Protein change: p.Lys4749Glu; replaces lysine 4749 with glutamic acid.
Molecular consequence: missense variant.
Genome position (GRCh38, 1-based): chr6:56,561,373, T>C on the plus strand (A>G on the coding strand, the complement: DST is on the minus strand). VCF-style: chr6-56561373-T-C. GRCh37 (hg19) VCF-style: chr6-56426171-T-C.
Other names: c.7888A>G, p.Lys2630Glu (NM_001144769.5); c.7474A>G, p.Lys2492Glu (NM_001144770.2); c.14245A>G, p.Lys4749Glu (NM_001374722.1); c.13612A>G, p.Lys4538Glu (NM_001374729.1); c.7354A>G, p.Lys2452Glu (NM_001374730.1, NM_001386100.1, NM_183380.4); c.14272A>G, p.Lys4758Glu (NM_001374734.1); c.6376A>G, p.Lys2126Glu (NM_015548.5); short protein forms K4749E, K2452E, K2492E, K2630E, K4758E, K2126E, K4538E.
Identifiers: ClinVar variation 1924259 (VCV001924259.5), dbSNP rs1387580188, ClinGen allele CA364522463.
Genomic context (GRCh38, chr6:56,561,373, plus strand): 5'-TCTGCTCAACTTGAGTCTTCACAGCTTCAGTATCTGTAGGTGCAGGTGTCTGCTGCCATT[T>C]TGTTGCAGTTTTGTTCATTTTCTGTAACCACTGCATCATTGCACTTGATTCTTCCTGAGC-3'
Protein context (NP_001361665.1, residues 4739-4759): WLQKMNKTAT[Lys4749Glu]WQQTPAPTDT

ClinVar aggregate classification (germline): Uncertain significance (1 of 4 stars; one submission).

Conditions:
Epidermolysis bullosa simplex 3, localized or generalized intermediate, with BP230 deficiency (EBS3). Also called: Epidermolysis bullosa simplex due to BP230 deficiency; Epidermolysis bullosa simplex, autosomal recessive 2. Identifiers: Orphanet 412181, MedGen C3809470, MONDO:0014180, OMIM 615425.
Hereditary sensory and autonomic neuropathy type 6. Also called: Neuropathy, hereditary sensory and autonomic, type VI; HSAN VI. Identifiers: Orphanet 314381, MedGen C3539003, MONDO:0013839, OMIM 614653.

gnomAD v4.1: 2 of 1,613,858 alleles (0.00012%); highest among the groups gnomAD compares: Admixed American, 0.0033%; no homozygotes.

Submission:

Labcorp Genetics (formerly Invitae), Labcorp
Classification: Uncertain significance for Epidermolysis bullosa simplex 3, localized or generalized intermediate, with BP230 deficiency; Hereditary sensory and autonomic neuropathy type 6. Last evaluated: 2022-01-28. Review status: criteria provided, single submitter. Criteria: Invitae Variant Classification Sherloc (09022015). Collection method: clinical testing. Allele origin: germline.
Comment: This variant is present in population databases (no rsID available, gnomAD 0.006%). In summary, the available evidence is currently insufficient to determine the role of this variant in disease. Therefore, it has been classified as a Variant of Uncertain Significance. Experimental studies and prediction algorithms are not available or were not evaluated, and the functional significance of this variant is currently unknown. This variant has not been reported in the literature in individuals affected with DST-related conditions. This sequence change replaces lysine, which is basic and polar, with glutamic acid, which is acidic and polar, at codon 2126 of the DST protein (p.Lys2126Glu). The DST gene has multiple clinically relevant transcripts. This variant occurs in alternate transcript NM_015548.4, and corresponds to NM_001723.5:c.*54144A>G in the primary transcript.